The following is an entry in ClinVar:

NM_153717.3(EVC):c.27G>C (p.Lys9Asn)

Genes: EVC (EvC ciliary complex subunit 1; plus strand), LOC129992144 (ATAC-STARR-seq lymphoblastoid silent region 15223; plus strand). Cytogenetic location: 4p16.2.
Variant type: single nucleotide variant.
Coding change: c.27G>C on transcript NM_153717.3 (MANE Select); coding-DNA position 27, G replaced by C.
Protein change: p.Lys9Asn; replaces lysine 9 with asparagine.
Molecular consequence: missense variant.
Genome position (GRCh38, 1-based): chr4:5,711,407, G>C. VCF-style: chr4-5711407-G-C. GRCh37 (hg19) VCF-style: chr4-5713134-G-C.
Other names: c.27G>C, p.Lys9Asn (NM_001306090.2, NM_001306092.2); short protein forms K9N.
Identifiers: ClinVar variation 1426256 (VCV001426256.7), dbSNP rs1474600088, ClinGen allele CA356156240.

ClinVar aggregate classification (germline): Uncertain significance (1 of 4 stars; one submission).

Conditions:
Ellis-van Creveld syndrome (EVC). Also called: Chondroectodermal dysplasia; EVC-Related Ellis-van Creveld Syndrome; EVC2-Related Ellis-van Creveld Syndrome; MESOECTODERMAL DYSPLASIA. Identifiers: Orphanet 289, MedGen C0013903, MONDO:0009162, OMIM 225500.
Curry-Hall syndrome (WAD). Also called: WEYERS ACRODENTAL DYSOSTOSIS. Identifiers: Orphanet 952, MedGen C0457013, MONDO:0008673, OMIM 193530.

Allele frequency attached by ClinVar (database versions not stated): TOPMed below 0.00001; gnomAD 0.00001.
gnomAD v4.1: 2 of 1,021,452 alleles (0.0002%); highest among the groups gnomAD compares: Admixed American, 0.0057%; no homozygotes.

Submission:

Labcorp Genetics (formerly Invitae), Labcorp
Classification: Uncertain significance for Curry-Hall syndrome; Ellis-van Creveld syndrome. Last evaluated: 2023-12-11. Review status: criteria provided, single submitter. Criteria: Invitae Variant Classification Sherloc (09022015). Collection method: clinical testing. Allele origin: germline.
Comment: This sequence change replaces lysine, which is basic and polar, with asparagine, which is neutral and polar, at codon 9 of the EVC protein (p.Lys9Asn). The frequency data for this variant in the population databases is considered unreliable, as metrics indicate insufficient coverage at this position in the gnomAD database. This variant has not been reported in the literature in individuals affected with EVC-related conditions. ClinVar contains an entry for this variant (Variation ID: 1426256). An algorithm developed to predict the effect of missense changes on protein structure and function (PolyPhen-2) suggests that this variant¬†is likely to be tolerated. In summary, the available evidence is currently insufficient to determine the role of this variant in disease. Therefore, it has been classified as a Variant of Uncertain Significance.